The following is an entry in ClinVar:

NM_003793.4(CTSF):c.586C>T (p.Arg196Trp)

Gene: CTSF (cathepsin F; minus strand). Cytogenetic location: 11q13.2.
Variant type: single nucleotide variant.
Coding change: c.586C>T on transcript NM_003793.4 (MANE Select); coding-DNA position 586, C replaced by T.
Protein change: p.Arg196Trp; replaces arginine 196 with tryptophan.
Molecular consequence: missense variant.
Genome position (GRCh38, 1-based): chr11:66,567,267, G>A on the plus strand (C>T on the coding strand, the complement: CTSF is on the minus strand). VCF-style: chr11-66567267-G-A. GRCh37 (hg19) VCF-style: chr11-66334738-G-A.
Other names: short protein forms R196W.
Identifiers: ClinVar variation 3078771 (VCV003078771.2), dbSNP rs781691013, ClinGen allele CA6125530.

ClinVar aggregate classification (germline): Uncertain significance. Review status: criteria provided, multiple submitters, no conflicts (2 of 4 stars). 2 submissions from 2 submitters: Uncertain significance (2). Last evaluated 2025-02-04.

Conditions:
Inborn genetic diseases. Identifiers: MedGen C0950123, MeSH D030342.

Allele frequency attached by ClinVar (database versions not stated): gnomAD exomes 0.00002; gnomAD 0.00003; ExAC 0.00006; TOPMed 0.00006.

Submissions (2):

GeneDx
Classification: Uncertain significance. Last evaluated: 2025-02-04. Review status: criteria provided, single submitter. Criteria: GeneDx Variant Classification Process June 2021. Collection method: clinical testing. Allele origin: germline. Affected: yes.
Comment: In silico analysis supports that this missense variant has a deleterious effect on protein structure/function; Has not been previously published as pathogenic or benign to our knowledge

Ambry Genetics
Classification: Uncertain significance for Inborn genetic diseases. Last evaluated: 2024-02-27. Review status: criteria provided, single submitter. Criteria: Ambry Variant Classification Scheme 2023. Collection method: clinical testing. Allele origin: germline.